The following is an entry in ClinVar:

ClinVar aggregate classification (germline): Likely benign (0 of 4 stars; one submission).

Conditions:
ATG2B-related disorder. Also called: ATG2B-related condition.

Allele frequency attached by ClinVar (database versions not stated): ExAC 0.00017; TOPMed 0.00019; gnomAD 0.00020; gnomAD exomes 0.00031; 1000 Genomes Project 0.00040; 1000 Genomes Project 30x 0.00062; ESP Exome Variant Server 0.00066.

Submission:

PreventionGenetics, part of Exact Sciences
Classification: Likely benign for ATG2B-related condition. Last evaluated: 2019-07-11. Review status: no assertion criteria provided. Collection method: clinical testing. Allele origin: germline.
Comment: This variant is classified as likely benign based on ACMG/AMP sequence variant interpretation guidelines (Richards et al. 2015 PMID: 25741868, with internal and published modifications).

NM_018036.7(ATG2B):c.2289T>G (p.Ser763=)

Gene: ATG2B (autophagy related 2B; minus strand). Cytogenetic location: 14q32.2.
Variant type: single nucleotide variant.
Coding change: c.2289T>G on transcript NM_018036.7 (MANE Select); coding-DNA position 2289, T replaced by G.
Protein change: p.Ser763=; no amino-acid change (serine 763 retained).
Molecular consequence: synonymous variant.
Genome position (GRCh38, 1-based): chr14:96,325,797, A>C on the plus strand (T>G on the coding strand, the complement: ATG2B is on the minus strand). VCF-style: chr14-96325797-A-C. GRCh37 (hg19) VCF-style: chr14-96792134-A-C.
Identifiers: ClinVar variation 3050631 (VCV003050631.2), dbSNP rs201545418, ClinGen allele CA7336504.